The following is an entry in ClinVar:

ClinVar aggregate classification (germline): Benign/Likely benign. Review status: criteria provided, multiple submitters, no conflicts (2 of 4 stars). 5 submissions from 5 submitters: Benign (1); Likely benign (4). Last evaluated 2026-03-23.

Conditions:
Autosomal recessive hypophosphatemic bone disease (HHRH). Also called: HYPERCALCIURIC RICKETS; Hypophosphatemic rickets with hypercalciuria. Identifiers: Orphanet 157215, MedGen C1853271, MONDO:0009431, OMIM 241530.
SLC34A3-related disorder. Also called: SLC34A3-related condition.

Allele frequency attached by ClinVar (database versions not stated): gnomAD 0.00016 and 0.00019; 1000 Genomes Project 0.00020; TOPMed 0.00026; 1000 Genomes Project 30x 0.00031; gnomAD exomes 0.00042; ExAC 0.00057.
gnomAD v4.1: 211 of 1,607,440 alleles (0.013%); highest among the groups gnomAD compares: East Asian, 0.28%; no homozygotes.

Submissions (5):

PreventionGenetics, part of Exact Sciences
Classification: Likely benign for SLC34A3-related condition. Last evaluated: 2026-03-23. Review status: criteria provided, single submitter. Criteria: ACMG Guidelines, 2015. Collection method: clinical testing. Allele origin: germline.
Comment: This variant is classified as likely benign based on ACMG/AMP sequence variant interpretation guidelines (Richards et al. 2015 PMID: 25741868, with internal and published modifications).

Labcorp Genetics (formerly Invitae), Labcorp
Classification: Benign. Last evaluated: 2025-11-21. Review status: criteria provided, single submitter. Criteria: Invitae Variant Classification Sherloc (09022015). Collection method: clinical testing. Allele origin: germline.

Mayo Clinic Laboratories, Mayo Clinic
Classification: Likely benign. Last evaluated: 2025-10-07. Review status: criteria provided, single submitter. Criteria: ACMG Guidelines, 2015. Collection method: clinical testing. Allele origin: germline. Observed: 1 variant allele.
Comment: BS1, BP4, BP7

Blueprint Genetics
Classification: Likely benign. Last evaluated: 2024-11-23. Review status: criteria provided, single submitter. Criteria: ACMG Guidelines, 2015. Collection method: clinical testing. Allele origin: germline.

Fulgent Genetics
Classification: Likely benign for Autosomal recessive hypophosphatemic bone disease. Last evaluated: 2021-10-19. Review status: criteria provided, single submitter. Criteria: ACMG Guidelines, 2015. Collection method: clinical testing. Allele origin: unknown.

NM_001177316.2(SLC34A3):c.876C>T (p.Phe292=)

Gene: SLC34A3 (solute carrier family 34 member 3; plus strand). Cytogenetic location: 9q34.3.
Variant type: single nucleotide variant.
Coding change: c.876C>T on transcript NM_001177316.2 (MANE Select); coding-DNA position 876, C replaced by T.
Protein change: p.Phe292=; no amino-acid change (phenylalanine 292 retained).
Molecular consequence: synonymous variant.
Genome position (GRCh38, 1-based): chr9:137,233,892, C>T. VCF-style: chr9-137233892-C-T. GRCh37 (hg19) VCF-style: chr9-140128344-C-T.
Other names: p.Phe292=; c.876C>T, p.Phe292= (NM_001177317.2, NM_080877.3).
Identifiers: ClinVar variation 795872 (VCV000795872.13), dbSNP rs202060862, ClinGen allele CA5364642.